The following is an entry in ClinVar:

NM_000293.3(PHKB):c.1972-2A>G

Gene: PHKB (phosphorylase kinase regulatory subunit beta; plus strand). Cytogenetic location: 16q12.1.
Variant type: single nucleotide variant.
Coding change: c.1972-2A>G on transcript NM_000293.3 (MANE Select); the canonical splice acceptor site of the intron before coding-DNA position 1972, A replaced by G.
Molecular consequence: splice acceptor variant.
Genome position (GRCh38, 1-based): chr16:47,660,504, A>G. VCF-style: chr16-47660504-A-G. GRCh37 (hg19) VCF-style: chr16-47694415-A-G.
Other names: c.1972-2A>G (NM_001363837.1); c.1951-2A>G (NM_001031835.3).
Identifiers: ClinVar variation 1690697 (VCV001690697.9), dbSNP rs964263812, ClinGen allele CA280216502.

ClinVar aggregate classification (germline): Pathogenic/Likely pathogenic. Review status: criteria provided, multiple submitters, no conflicts (2 of 4 stars). 4 submissions from 4 submitters: Pathogenic (3); Likely pathogenic (1). Last evaluated 2026-02-10.

Conditions:
Glycogen storage disease IXb (GSD9B). Also called: GLYCOGENOSIS OF LIVER AND MUSCLE, AUTOSOMAL RECESSIVE; GSD IXb; PHOSPHORYLASE KINASE DEFICIENCY OF LIVER AND MUSCLE, AUTOSOMAL RECESSIVE. Identifiers: Orphanet 79240, MedGen C0543514, MONDO:0009868, OMIM 261750.

Allele frequency attached by ClinVar (database versions not stated): TOPMed 0.00001.

Submissions (4):

Dasa
Classification: Pathogenic. Last evaluated: 2026-02-10. Review status: criteria provided, single submitter. Criteria: DASA Assertion Criteria. Collection method: clinical testing. Allele origin: germline.
Comment: NM_000293.3(PHKB):c.1972-2A>G affects a canonical splice site and is predicted to disrupt normal RNA splicing, leading to loss of normal protein function. Loss-of-function is an established mechanism of disease for this gene. This variant has been reported in individuals with related phenotype (PMID: 31508908). The variant is present at low frequency in population datasets. Based on the available data, this variant is classified as pathogenic.

Labcorp Genetics (formerly Invitae), Labcorp
Classification: Pathogenic for Glycogen storage disease IXb. Last evaluated: 2023-06-29. Review status: criteria provided, single submitter. Criteria: Invitae Variant Classification Sherloc (09022015). Collection method: clinical testing. Allele origin: germline.
Comment: For these reasons, this variant has been classified as Pathogenic. Algorithms developed to predict the effect of sequence changes on RNA splicing suggest that this variant may disrupt the consensus splice site. ClinVar contains an entry for this variant (Variation ID: 1690697). Disruption of this splice site has been observed in individual(s) with clinical features of glycogen storage disease (PMID: 31508908). In at least one individual the data is consistent with being in trans (on the opposite chromosome) from a pathogenic variant. This variant is not present in population databases (gnomAD no frequency). This sequence change affects an acceptor splice site in intron 20 of the PHKB gene. It is expected to disrupt RNA splicing. Variants that disrupt the donor or acceptor splice site typically lead to a loss of protein function (PMID: 16199547), and loss-of-function variants in PHKB are known to be pathogenic (PMID: 9215682, 9326319).

GeneDx
Classification: Pathogenic. Last evaluated: 2023-01-13. Review status: criteria provided, single submitter. Criteria: GeneDx Variant Classification Process June 2021. Collection method: clinical testing. Allele origin: germline. Affected: yes.
Comment: Canonical splice site variant predicted to result in a null allele in a gene for which loss of function is a known mechanism of disease; Not observed at significant frequency in large population cohorts (gnomAD); This variant is associated with the following publications: (PMID: 31508908)

Laboratorio de Genetica e Diagnostico Molecular, Hospital Israelita Albert Einstein
Classification: Likely pathogenic. Last evaluated: 2019-10-07. Review status: criteria provided, single submitter. Criteria: ACMG Guidelines, 2015. Collection method: clinical testing. Allele origin: germline. Affected: yes.
Comment: ACMG classification criteria: PVS1, PM2

Literature cited by the submitters: PubMed 31508908 (cited by Dasa and Labcorp Genetics (formerly Invitae), Labcorp); PubMed 16199547 (cited by Labcorp Genetics (formerly Invitae), Labcorp); PubMed 9215682 (cited by Labcorp Genetics (formerly Invitae), Labcorp); PubMed 9326319 (cited by Labcorp Genetics (formerly Invitae), Labcorp).